The following is an entry in ClinVar:

ClinVar aggregate classification (germline): Uncertain significance (1 of 4 stars; one submission).

gnomAD v4.1: 1 of 1,613,870 alleles (0.000062%); highest among the groups gnomAD compares: Admixed American, 0.0017%; no homozygotes.

Submission:

GeneDx
Classification: Uncertain significance. Last evaluated: 2024-12-20. Review status: criteria provided, single submitter. Criteria: GeneDx Variant Classification Process June 2021. Collection method: clinical testing. Allele origin: germline. Affected: yes.
Comment: Not observed at significant frequency in large population cohorts (gnomAD); In silico analysis supports that this missense variant has a deleterious effect on protein structure/function; Has not been previously published as pathogenic or benign to our knowledge

NM_001458.5(FLNC):c.2749G>A (p.Asp917Asn)

Gene: FLNC (filamin C; plus strand). Cytogenetic location: 7q32.1.
Variant type: single nucleotide variant.
Coding change: c.2749G>A on transcript NM_001458.5 (MANE Select); coding-DNA position 2749, G replaced by A.
Protein change: p.Asp917Asn; replaces aspartic acid 917 with asparagine.
Molecular consequence: missense variant.
Genome position (GRCh38, 1-based): chr7:128,843,515, G>A. VCF-style: chr7-128843515-G-A. GRCh37 (hg19) VCF-style: chr7-128483569-G-A.
Other names: c.2749G>A, p.Asp917Asn (NM_001127487.2); short protein forms D917N.
Identifiers: ClinVar variation 3906375 (VCV003906375.1).